The following is an entry in ClinVar:

NM_199355.4(ADAMTS18):c.1778C>A (p.Ser593Tyr)

Gene: ADAMTS18 (ADAM metallopeptidase with thrombospondin type 1 motif 18; minus strand). Cytogenetic location: 16q23.1.
Variant type: single nucleotide variant.
Coding change: c.1778C>A on transcript NM_199355.4 (MANE Select); coding-DNA position 1778, C replaced by A.
Protein change: p.Ser593Tyr; replaces serine 593 with tyrosine.
Molecular consequence: missense variant.
Genome position (GRCh38, 1-based): chr16:77,335,837, G>T on the plus strand (C>A on the coding strand, the complement: ADAMTS18 is on the minus strand). VCF-style: chr16-77335837-G-T. GRCh37 (hg19) VCF-style: chr16-77369734-G-T.
Other names: c.1262C>A, p.Ser421Tyr (NM_001326358.2); short protein forms S593Y, S421Y.
Identifiers: ClinVar variation 1398066 (VCV001398066.8), dbSNP rs2144675217, ClinGen allele CA396832142.

ClinVar aggregate classification (germline): Uncertain significance (1 of 4 stars; one submission).

Submission:

Labcorp Genetics (formerly Invitae), Labcorp
Classification: Uncertain significance. Last evaluated: 2021-07-01. Review status: criteria provided, single submitter. Criteria: Invitae Variant Classification Sherloc (09022015). Collection method: clinical testing. Allele origin: germline.
Comment: This sequence change replaces serine with tyrosine at codon 593 of the ADAMTS18 protein (p.Ser593Tyr). The serine residue is highly conserved and there is a large physicochemical difference between serine and tyrosine. This variant is not present in population databases (ExAC no frequency). This variant has not been reported in the literature in individuals affected with ADAMTS18-related conditions. Algorithms developed to predict the effect of missense changes on protein structure and function are either unavailable or do not agree on the potential impact of this missense change (SIFT: "Not Available"; PolyPhen-2: "Probably Damaging"; Align-GVGD: "Not Available"). In summary, the available evidence is currently insufficient to determine the role of this variant in disease. Therefore, it has been classified as a Variant of Uncertain Significance.